The following is an entry in ClinVar:

NM_001376.5(DYNC1H1):c.4553A>G (p.Glu1518Gly)

Gene: DYNC1H1 (dynein cytoplasmic 1 heavy chain 1; plus strand). Cytogenetic location: 14q32.31.
Variant type: single nucleotide variant.
Coding change: c.4553A>G on transcript NM_001376.5 (MANE Select); coding-DNA position 4553, A replaced by G.
Protein change: p.Glu1518Gly; replaces glutamic acid 1518 with glycine.
Molecular consequence: missense variant.
Genome position (GRCh38, 1-based): chr14:102,002,547, A>G. VCF-style: chr14-102002547-A-G. GRCh37 (hg19) VCF-style: chr14-102468884-A-G.
Other names: short protein forms E1518G.
Identifiers: ClinVar variation 3777174 (VCV003777174.1).

ClinVar aggregate classification (germline): Uncertain significance (1 of 4 stars; one submission).

Conditions:
Autosomal dominant childhood-onset proximal spinal muscular atrophy without contractures. Also called: Spinal muscular atrophy, lower extremity-predominant 1, AD; SPINAL MUSCULAR ATROPHY, CHILDHOOD, PROXIMAL, AUTOSOMAL DOMINANT; KUGELBERG-WELANDER SYNDROME, AUTOSOMAL DOMINANT; SPINAL MUSCULAR ATROPHY, JUVENILE, PROXIMAL, AUTOSOMAL DOMINANT. Identifiers: Orphanet 209341, Orphanet 363447, MedGen C5780022, MONDO:0008026, OMIM 158600.
Charcot-Marie-Tooth disease axonal type 2O. Also called: CHARCOT-MARIE-TOOTH NEUROPATHY, AXONAL, TYPE 2O; CHARCOT-MARIE-TOOTH DISEASE, AXONAL, AUTOSOMAL DOMINANT, TYPE 2O; Charcot-Marie-Tooth Neuropathy Type 2O; Charcot-Marie-Tooth disease, axonal, type 20. Identifiers: Orphanet 284232, MedGen C3280220, MONDO:0013644, OMIM 614228.
Cortical dysplasia, complex, with other brain malformations 13. Also called: Intellectual disability, autosomal dominant 13. Identifiers: MedGen C3281202, MONDO:0013805, OMIM 614563.

Submission:

University of Washington Department of Laboratory Medicine, University of Washington
Classification: Uncertain significance for Charcot-Marie-Tooth disease axonal type 2O; Cortical dysplasia, complex, with other brain malformations 13; Autosomal dominant childhood-onset proximal spinal muscular atrophy without contractures. Last evaluated: 2022-06-02. Review status: criteria provided, single submitter. Criteria: ACMG Guidelines, 2015. Collection method: clinical testing. Allele origin: unknown. Affected: yes.
Comment: The p.Glu1518Gly variant in the DYNC1H1 gene has not been previously reported in association with disease and was absent from large population databases, including the Genome Aggregation Database. Notably, a different amino acid change at this residue (p.Glu1518Lys) has been previously reported in de novo in an individual with severe intellectual disability, no ambulation or speech, epilepsy, and neuronal migration defects (Willemsen 2012), suggesting that this residue may be sensitive to variation. Additionally, the DYNC1H1 gene has fewer missense variants in the general population than expected. A low rate of missense variation may suggest that this gene is intolerant to missense variation. In silico tools predict that the p.Glu1518Gly variant is deleterious; however, these predictions have not been tested directly. Using ACMG guidelines, this variant was classified as a variant of uncertain significance (ACMG evidence codes used: PM5, PM2_supporting, PP2, PP3).